The following is an entry in ClinVar:

ClinVar aggregate classification (germline): Uncertain significance (1 of 4 stars; one submission).

Conditions:
Beckwith-Wiedemann syndrome (BWS). Also called: EMG SYNDROME; Exomphalos macroglossia gigantism syndrome. Identifiers: Orphanet 116, MedGen C0004903, MONDO:0007534, OMIM 130650.

Submission:

Labcorp Genetics (formerly Invitae), Labcorp
Classification: Uncertain significance for Beckwith-Wiedemann syndrome. Last evaluated: 2018-02-28. Review status: criteria provided, single submitter. Criteria: Invitae Variant Classification Sherloc (09022015). Collection method: clinical testing. Allele origin: germline.
Comment: This sequence change replaces serine with cysteine at codon 273 of the CDKN1C protein (p.Ser273Cys). The serine residue is weakly conserved and there is a moderate physicochemical difference between serine and cysteine. This variant is not present in population databases (ExAC no frequency). This variant has not been reported in the literature in individuals with CDKN1C-related disease. Algorithms developed to predict the effect of missense changes on protein structure and function do not agree on the potential impact of this missense change (SIFT: "Deleterious"; PolyPhen-2: "Probably Damaging"; Align-GVGD: "Class C0"). In summary, the available evidence is currently insufficient to determine the role of this variant in disease. Therefore, it has been classified as a Variant of Uncertain Significance.

NM_001122630.2(CDKN1C):c.785C>G (p.Ser262Cys)

Gene: CDKN1C (cyclin dependent kinase inhibitor 1C; minus strand). Cytogenetic location: 11p15.4.
Variant type: single nucleotide variant.
Coding change: c.785C>G on transcript NM_001122630.2 (MANE Select); coding-DNA position 785, C replaced by G.
Protein change: p.Ser262Cys; replaces serine 262 with cysteine.
Molecular consequence: missense variant. On other transcripts: intron variant (1).
Genome position (GRCh38, 1-based): chr11:2,884,672, G>C on the plus strand (C>G on the coding strand, the complement: CDKN1C is on the minus strand). VCF-style: chr11-2884672-G-C. GRCh37 (hg19) VCF-style: chr11-2905902-G-C.
Other names: c.818C>G, p.Ser273Cys (LRG_533t1, NM_000076.2, NM_001362474.2); c.785C>G, p.Ser262Cys (NM_001122631.2); c.255+530C>G (NM_001362475.2); short protein forms S273C, S262C.
Identifiers: ClinVar variation 569705 (VCV000569705.8), dbSNP rs1564929254, ClinGen allele CA379145517.